The following is an entry in ClinVar:

NM_001365951.3(KIF1B):c.776G>C (p.Gly259Ala)

Gene: KIF1B (kinesin family member 1B; plus strand). Cytogenetic location: 1p36.22.
Variant type: single nucleotide variant.
Coding change: c.776G>C on transcript NM_001365951.3 (MANE Select); coding-DNA position 776, G replaced by C.
Protein change: p.Gly259Ala; replaces glycine 259 with alanine.
Molecular consequence: missense variant.
Genome position (GRCh38, 1-based): chr1:10,271,557, G>C. VCF-style: chr1-10271557-G-C. GRCh37 (hg19) VCF-style: chr1-10331615-G-C.
Other names: c.776G>C, p.Gly259Ala (NM_001365952.1, NM_001365953.1, NM_015074.3 and 1 more transcripts); short protein forms G259A.
Identifiers: ClinVar variation 2560520 (VCV002560520.2), dbSNP rs767229413, ClinGen allele CA338331507.

ClinVar aggregate classification (germline): Uncertain significance (1 of 4 stars; one submission).

gnomAD v4.1: 1 of 1,613,562 alleles (0.000062%); highest among the groups gnomAD compares: South Asian, 0.0011%; no homozygotes.

Submission:

Ambry Genetics
Classification: Uncertain significance. Last evaluated: 2023-05-06. Review status: criteria provided, single submitter. Criteria: Ambry Variant Classification Scheme 2023. Collection method: clinical testing. Allele origin: germline.
Comment: The p.G259A variant (also known as c.776G>C), located in coding exon 7 of the KIF1B gene, results from a G to C substitution at nucleotide position 776. The glycine at codon 259 is replaced by alanine, an amino acid with similar properties. This amino acid position is conserved. In addition, this alteration is predicted to be deleterious by in silico analysis. Since supporting evidence is limited at this time, the clinical significance of this alteration remains unclear.